The following is an entry in ClinVar:

ClinVar aggregate classification (germline): Uncertain significance. Review status: criteria provided, multiple submitters, no conflicts (2 of 4 stars). 6 submissions from 6 submitters: Uncertain significance (6). Last evaluated 2026-01-31.

Conditions:
Familial cancer of breast. Also called: BREAST CANCER, FAMILIAL; hereditary breast carcinoma; Hereditary breast cancer. Identifiers: Orphanet 227535, MedGen C0346153, MONDO:0016419, OMIM 114480. Disease mechanism: loss of function.
Hereditary cancer-predisposing syndrome. Also called: Neoplastic Syndromes, Hereditary; Tumor predisposition; Hereditary Cancer Syndrome; Hereditary neoplastic syndrome. Identifiers: Orphanet 140162, MedGen C0027672, MeSH D009386, MONDO:0015356.

Allele frequency attached by ClinVar (database versions not stated): gnomAD 0.00001; gnomAD exomes 0.00001 and 0.00003; ExAC 0.00002; TOPMed 0.00002.
gnomAD v4.1: 14 of 1,612,886 alleles (0.00087%); highest among the groups gnomAD compares: Admixed American, 0.017%; no homozygotes.

Submissions (6):

Labcorp Genetics (formerly Invitae), Labcorp
Classification: Uncertain significance for Familial cancer of breast. Last evaluated: 2026-01-31. Review status: criteria provided, single submitter. Criteria: Invitae Variant Classification Sherloc (09022015). Collection method: clinical testing. Allele origin: germline.
Comment: This sequence change replaces aspartic acid, which is acidic and polar, with alanine, which is neutral and non-polar, at codon 94 of the BARD1 protein (p.Asp94Ala). This variant is present in population databases (rs757569689, gnomAD 0.02%). This missense change has been observed in individual(s) with personal and/or family history of cancer (PMID: 35595798, 36187937). ClinVar contains an entry for this variant (Variation ID: 230637). An algorithm developed to predict the effect of missense changes on protein structure and function (PolyPhen-2) suggests that this variant is likely to be disruptive. In summary, the available evidence is currently insufficient to determine the role of this variant in disease. Therefore, it has been classified as a Variant of Uncertain Significance.

Ambry Genetics
Classification: Uncertain significance for Hereditary cancer-predisposing syndrome. Last evaluated: 2024-09-12. Review status: criteria provided, single submitter. Criteria: Ambry Variant Classification Scheme 2023. Collection method: clinical testing. Allele origin: germline.
Comment: The p.D94A variant (also known as c.281A>C), located in coding exon 3 of the BARD1 gene, results from an A to C substitution at nucleotide position 281. The aspartic acid at codon 94 is replaced by alanine, an amino acid with dissimilar properties. This alteration was reported in a study of 1297 cases of early-onset breast cancer and 1121 controls (Young EL et al. J. Med. Genet., 2016 06;53:366-76). This amino acid position is highly conserved in available vertebrate species. In addition, the in silico prediction for this alteration is inconclusive. Based on the available evidence, the clinical significance of this variant remains unclear.

Baylor Genetics
Classification: Uncertain significance for Familial cancer of breast. Last evaluated: 2024-01-19. Review status: criteria provided, single submitter. Criteria: ACMG Guidelines, 2015. Collection method: clinical testing. Allele origin: unknown.

Color Diagnostics, LLC DBA Color Health
Classification: Uncertain significance for Hereditary cancer-predisposing syndrome. Last evaluated: 2022-01-06. Review status: criteria provided, single submitter. Criteria: ACMG Guidelines, 2015. Collection method: clinical testing. Allele origin: germline.
Comment: This missense variant replaces aspartic acid with alanine at codon 94 of the BARD1 protein. Computational prediction is inconclusive regarding the impact of this variant on protein structure and function (internally defined REVEL score threshold 0.5 < inconclusive < 0.7, PMID: 27666373). To our knowledge, functional studies have not been reported for this variant. This variant has not been reported in individuals affected with hereditary cancer in the literature. This variant has been identified in 8/251170 chromosomes in the general population by the Genome Aggregation Database (gnomAD). The available evidence is insufficient to determine the role of this variant in disease conclusively. Therefore, this variant is classified as a Variant of Uncertain Significance.

Sema4
Classification: Uncertain significance for Hereditary cancer-predisposing syndrome. Last evaluated: 2021-10-19. Review status: criteria provided, single submitter. Criteria: Sema4 Curation Guidelines. Collection method: curation. Allele origin: germline.
Comment: The BARD1 c.281A>C (p.D94A) variant has been reported in heterozygosity in at least one individual with ependymoma (PMID: 26580448). This variant was observed in 7/34466 chromosomes in the Latino population according to the Genome Aggregation Database (PMID: 32461654). This variant has been reported in ClinVar (Variation ID: 230637). Functional studies have not been performed, and in silico predictions of the variant's effect on protein function are inconclusive. The evidence is insufficient to meet ACMG/AMP criteria for classifying the variant as benign or pathogenic. Thus, the clinical significance of this variant is currently uncertain.

GeneDx
Classification: Uncertain significance. Last evaluated: 2019-07-29. Review status: criteria provided, single submitter. Criteria: GeneDx Variant Classification Process June 2021. Collection method: clinical testing. Allele origin: germline. Affected: yes.
Comment: Not observed at a significant frequency in large population cohorts (Lek et al., 2016); In silico analysis, which includes protein predictors and evolutionary conservation, supports a deleterious effect; Has not been previously published as pathogenic or benign to our knowledge

Literature cited by the submitters: PubMed 35595798 (cited by Labcorp Genetics (formerly Invitae), Labcorp); PubMed 36187937 (cited by Labcorp Genetics (formerly Invitae), Labcorp); PubMed 26787654 (cited by Ambry Genetics); PubMed 26580448 (cited by Sema4).

NM_000465.4(BARD1):c.281A>C (p.Asp94Ala)

Gene: BARD1 (BRCA1 associated RING domain 1; minus strand). Cytogenetic location: 2q35.
Variant type: single nucleotide variant.
Coding change: c.281A>C on transcript NM_000465.4 (MANE Select); coding-DNA position 281, A replaced by C.
Protein change: p.Asp94Ala; replaces aspartic acid 94 with alanine.
Molecular consequence: missense variant. On other transcripts: non-coding transcript variant (1), intron variant (2).
Genome position (GRCh38, 1-based): chr2:214,792,380, T>G on the plus strand (A>C on the coding strand, the complement: BARD1 is on the minus strand). VCF-style: chr2-214792380-T-G. GRCh37 (hg19) VCF-style: chr2-215657104-T-G.
Other names: c.224A>C, p.Asp75Ala (NM_001282543.2); c.281A>C, p.Asp94Ala (NM_001282549.2); c.158+17032A>C (NM_001282548.2); c.215+4681A>C (NM_001282545.2); short protein forms D94A, D75A.
Identifiers: ClinVar variation 230637 (VCV000230637.25), dbSNP rs757569689, ClinGen allele CA2090457.